The following is an entry in ClinVar:

NM_004082.5(DCTN1):c.611C>T (p.Pro204Leu)

Gene: DCTN1 (dynactin subunit 1; minus strand). Cytogenetic location: 2p13.1.
Variant type: single nucleotide variant.
Coding change: c.611C>T on transcript NM_004082.5 (MANE Select); coding-DNA position 611, C replaced by T.
Protein change: p.Pro204Leu; replaces proline 204 with leucine.
Molecular consequence: missense variant. On other transcripts: non-coding transcript variant (1).
Genome position (GRCh38, 1-based): chr2:74,371,571, G>A on the plus strand (C>T on the coding strand, the complement: DCTN1 is on the minus strand). VCF-style: chr2-74371571-G-A. GRCh37 (hg19) VCF-style: chr2-74598698-G-A.
Other names: c.551C>T, p.Pro184Leu (NM_001135040.3); c.209C>T, p.Pro70Leu (NM_001135041.3, NM_023019.4); c.500C>T, p.Pro167Leu (NM_001190836.2); c.590C>T, p.Pro197Leu (NM_001190837.2); c.560C>T, p.Pro187Leu (NM_001378991.1); c.542C>T, p.Pro181Leu (NM_001378992.1); short protein forms P167L, P197L, P181L, P70L, P187L, P184L, P204L.
Identifiers: ClinVar variation 2926925 (VCV002926925.3), dbSNP rs1194568783, ClinGen allele CA347366885.
Genomic context (GRCh38, chr2:74,371,571, plus strand): 5'-TCCTTTACCCCTACCCCAGGCCTTACCTTGGATGGGGAAGGAAGCGGGGGGACTGCTCCA[G>A]GAGAGGTGAGGACCGGCGTGGGGATGATGGGTGCTGCCAGCGGAGTCTGAGCCGGGGTGC-3'
Protein context (NP_004073.2, residues 194-214): PIIPTPVLTS[Pro204Leu]GAVPPLPSPS

ClinVar aggregate classification (germline): Uncertain significance (1 of 4 stars; one submission).

Conditions:
Amyotrophic lateral sclerosis type 1 (ALS1). Also called: AMYOTROPHIC LATERAL SCLEROSIS 1, FAMILIAL. Identifiers: Orphanet 803, MedGen C1862939, MONDO:0007103, OMIM 105400.
Neuronopathy, distal hereditary motor, type 7B. Also called: NEURONOPATHY, DISTAL HEREDITARY MOTOR, AUTOSOMAL DOMINANT 14; NEURONOPATHY, DISTAL HEREDITARY MOTOR, HARDING TYPE VIIB; NEUROPATHY, DISTAL HEREDITARY MOTOR, HARDING TYPE VIIB; NEUROPATHY, DISTAL HEREDITARY MOTOR, WITH VOCAL CORD PARALYSIS, HARDING TYPE VIIB; Distal Hereditary Motor Neuronopathy Type 7B (dHMN7B); HMN VIIB. Identifiers: Orphanet 139589, MedGen C1843315, MONDO:0011879, OMIM 607641.
Perry syndrome. Also called: PARKINSONISM WITH ALVEOLAR HYPOVENTILATION AND MENTAL DEPRESSION. Identifiers: Orphanet 178509, MedGen C1868594, MONDO:0008201, OMIM 168605.

Allele frequency attached by ClinVar (database versions not stated): gnomAD exomes below 0.00001; TOPMed 0.00001.
gnomAD v4.1: 3 of 1,584,822 alleles (0.00019%); highest among the groups gnomAD compares: Non-Finnish European, 0.00017%; no homozygotes.

Submission:

Labcorp Genetics (formerly Invitae), Labcorp
Classification: Uncertain significance for Amyotrophic lateral sclerosis type 1; Neuronopathy, distal hereditary motor, type 7B; Perry syndrome. Last evaluated: 2023-08-05. Review status: criteria provided, single submitter. Criteria: Invitae Variant Classification Sherloc (09022015). Collection method: clinical testing. Allele origin: germline.
Comment: Advanced modeling of protein sequence and biophysical properties (such as structural, functional, and spatial information, amino acid conservation, physicochemical variation, residue mobility, and thermodynamic stability) performed at Invitae indicates that this missense variant is not expected to disrupt DCTN1 protein function. In summary, the available evidence is currently insufficient to determine the role of this variant in disease. Therefore, it has been classified as a Variant of Uncertain Significance. This variant has not been reported in the literature in individuals affected with DCTN1-related conditions. This sequence change replaces proline, which is neutral and non-polar, with leucine, which is neutral and non-polar, at codon 204 of the DCTN1 protein (p.Pro204Leu). This variant is not present in population databases (gnomAD no frequency).